The following is an entry in ClinVar:

ClinVar aggregate classification (germline): Uncertain significance (1 of 4 stars; one submission).

gnomAD v4.1: 1 of 1,603,722 alleles (0.000062%); highest among the groups gnomAD compares: Admixed American, 0.0017%; no homozygotes.

Submission:

Labcorp Genetics (formerly Invitae), Labcorp
Classification: Uncertain significance. Last evaluated: 2025-04-28. Review status: criteria provided, single submitter. Criteria: Invitae Variant Classification Sherloc (09022015). Collection method: clinical testing. Allele origin: germline.
Comment: This sequence change replaces cysteine, which is neutral and slightly polar, with tyrosine, which is neutral and polar, at codon 1093 of the MYO6 protein (p.Cys1093Tyr). This variant is present in population databases (no rsID available, gnomAD 0.003%). This variant has not been reported in the literature in individuals affected with MYO6-related conditions. ClinVar contains an entry for this variant (Variation ID: 3011401). An algorithm developed to predict the effect of missense changes on protein structure and function (PolyPhen-2) suggests that this variant is likely to be disruptive. In summary, the available evidence is currently insufficient to determine the role of this variant in disease. Therefore, it has been classified as a Variant of Uncertain Significance.

NM_004999.4(MYO6):c.3278G>A (p.Cys1093Tyr)

Gene: MYO6 (myosin VI; plus strand). Cytogenetic location: 6q14.1.
Variant type: single nucleotide variant.
Coding change: c.3278G>A on transcript NM_004999.4 (MANE Select); coding-DNA position 3278, G replaced by A.
Protein change: p.Cys1093Tyr; replaces cysteine 1093 with tyrosine.
Molecular consequence: missense variant. On other transcripts: non-coding transcript variant (1).
Genome position (GRCh38, 1-based): chr6:75,907,706, G>A. VCF-style: chr6-75907706-G-A. GRCh37 (hg19) VCF-style: chr6-76617423-G-A.
Other names: c.3209G>A, p.Cys1070Tyr (NM_001300899.2, NM_001368136.1); c.3266G>A, p.Cys1089Tyr (NM_001368137.1); c.3194G>A, p.Cys1065Tyr (NM_001368138.1); c.3305G>A, p.Cys1102Tyr (NM_001368865.1, NM_001368866.1); short protein forms C1102Y, C1065Y, C1070Y, C1089Y, C1093Y.
Identifiers: ClinVar variation 3011401 (VCV003011401.3), dbSNP rs1216346227, ClinGen allele CA364779642.